The following is an entry in ClinVar:

NM_003718.5(CDK13):c.3181G>C (p.Gly1061Arg)

Gene: CDK13 (cyclin dependent kinase 13; plus strand). Cytogenetic location: 7p14.1.
Variant type: single nucleotide variant.
Coding change: c.3181G>C on transcript NM_003718.5 (MANE Select); coding-DNA position 3181, G replaced by C.
Protein change: p.Gly1061Arg; replaces glycine 1061 with arginine.
Molecular consequence: missense variant.
Genome position (GRCh38, 1-based): chr7:40,088,277, G>C. VCF-style: chr7-40088277-G-C. GRCh37 (hg19) VCF-style: chr7-40127876-G-C.
Other names: c.3181G>C, p.Gly1061Arg (NM_031267.4); short protein forms G1061R.
Identifiers: ClinVar variation 4762773 (VCV004762773.1).

ClinVar aggregate classification (germline): Uncertain significance (1 of 4 stars; one submission).

gnomAD v4.1: 4 of 1,614,002 alleles (0.00025%); highest among the groups gnomAD compares: South Asian, 0.0044%; no homozygotes.

Submission:

Labcorp Genetics (formerly Invitae), Labcorp
Classification: Uncertain significance. Last evaluated: 2025-04-28. Review status: criteria provided, single submitter. Criteria: Invitae Variant Classification Sherloc (09022015). Collection method: clinical testing. Allele origin: germline.
Comment: This sequence change replaces glycine, which is neutral and non-polar, with arginine, which is basic and polar, at codon 1061 of the CDK13 protein (p.Gly1061Arg). This variant is present in population databases (rs769271793, gnomAD 0.003%). This variant has not been reported in the literature in individuals affected with CDK13-related conditions. Invitae Evidence Modeling of protein sequence and biophysical properties (such as structural, functional, and spatial information, amino acid conservation, physicochemical variation, residue mobility, and thermodynamic stability) has been performed for this missense variant. However, the output from this modeling did not meet the statistical confidence thresholds required to predict the impact of this variant on CDK13 protein function. In summary, the available evidence is currently insufficient to determine the role of this variant in disease. Therefore, it has been classified as a Variant of Uncertain Significance.